The following is an entry in ClinVar:

ClinVar aggregate classification (germline): Uncertain significance (1 of 4 stars; one submission).

Conditions:
DiGeorge syndrome. Also called: THIRD AND FOURTH PHARYNGEAL POUCH SYNDROME; Catch22. Identifiers: Orphanet 567, MedGen C0012236, MONDO:0008564, OMIM 188400.

Submission:

Labcorp Genetics (formerly Invitae), Labcorp
Classification: Uncertain significance for DiGeorge syndrome. Last evaluated: 2022-08-31. Review status: criteria provided, single submitter. Criteria: Invitae Variant Classification Sherloc (09022015). Collection method: clinical testing. Allele origin: germline.
Comment: In summary, the available evidence is currently insufficient to determine the role of this variant in disease. Therefore, it has been classified as a Variant of Uncertain Significance. Variants that disrupt the consensus splice site are a relatively common cause of aberrant splicing (PMID: 17576681, 9536098). Algorithms developed to predict the effect of sequence changes on RNA splicing suggest that this variant is not likely to affect RNA splicing. ClinVar contains an entry for this variant (Variation ID: 1488450). This variant has not been reported in the literature in individuals affected with TBX1-related conditions. This variant is not present in population databases (gnomAD no frequency). This sequence change falls in intron 8 of the TBX1 gene. It does not directly change the encoded amino acid sequence of the TBX1 protein. It affects a nucleotide within the consensus splice site.

Literature cited by the submitters: PubMed 17576681; PubMed 9536098.

NM_001379200.1(TBX1):c.1036+4G>T

Gene: TBX1 (T-box transcription factor 1; plus strand). Cytogenetic location: 22q11.21.
Variant type: single nucleotide variant.
Coding change: c.1036+4G>T on transcript NM_001379200.1 (MANE Select); 4 bases into the intron after coding-DNA position 1036, G replaced by T.
Molecular consequence: intron variant.
Genome position (GRCh38, 1-based): chr22:19,766,006, G>T. VCF-style: chr22-19766006-G-T. GRCh37 (hg19) VCF-style: chr22-19753529-G-T.
Other names: c.1009+4G>T (NM_005992.1, NM_080646.2, NM_080647.1).
Identifiers: ClinVar variation 1488450 (VCV001488450.6), dbSNP rs1936826165, ClinGen allele CA2573157664.
Genomic context (GRCh38, chr22:19,766,006, plus strand): 5'-TCGCGCGCTCGCGGAACCCCGTGGCTTCCCCGACGCAGCCCAGCGGCACGGAGAAAGGTA[G>T]GGCCGGGGTCGTGGGATCCGGGTTCCGGCCCTGTGCGCGCTCTACCCCGGGCCGGCGGCC-3'